The following is an entry in ClinVar:

ClinVar aggregate classification (germline): Likely benign. Review status: criteria provided, multiple submitters, no conflicts (2 of 4 stars). 2 submissions from 2 submitters: Likely benign (2). Last evaluated 2025-09-06.

Allele frequency attached by ClinVar (database versions not stated): ExAC 0.00003; gnomAD exomes 0.00003 and 0.00005; gnomAD 0.00004 and 0.00005; TOPMed 0.00004; ESP Exome Variant Server 0.00008.
gnomAD v4.1: 78 of 1,613,296 alleles (0.0048%); highest among the groups gnomAD compares: Non-Finnish European, 0.0063%; no homozygotes.

Submissions (2):

Labcorp Genetics (formerly Invitae), Labcorp
Classification: Likely benign. Last evaluated: 2025-09-06. Review status: criteria provided, single submitter. Criteria: Invitae Variant Classification Sherloc (09022015). Collection method: clinical testing. Allele origin: germline.

CeGaT Center for Human Genetics Tuebingen
Classification: Likely benign. Last evaluated: 2024-04-01. Review status: criteria provided, single submitter. Criteria: CeGaT Center For Human Genetics Tuebingen Variant Classification Criteria Version 2. Collection method: clinical testing. Allele origin: germline. Affected: yes. Observed: 1 variant allele.
Comment: CEP152: BP4, BP7

NM_001194998.2(CEP152):c.3357C>T (p.Ala1119=)

Gene: CEP152 (centrosomal protein 152; minus strand). Cytogenetic location: 15q21.1.
Variant type: single nucleotide variant.
Coding change: c.3357C>T on transcript NM_001194998.2 (MANE Select); coding-DNA position 3357, C replaced by T.
Protein change: p.Ala1119=; no amino-acid change (alanine 1119 retained).
Molecular consequence: synonymous variant.
Genome position (GRCh38, 1-based): chr15:48,752,458, G>A on the plus strand (C>T on the coding strand, the complement: CEP152 is on the minus strand). VCF-style: chr15-48752458-G-A. GRCh37 (hg19) VCF-style: chr15-49044655-G-A.
Other names: c.3357C>T, p.Ala1119= (NM_014985.4).
Identifiers: ClinVar variation 1563552 (VCV001563552.28), dbSNP rs376667855, ClinGen allele CA7548365.